The following is an entry in ClinVar:

NM_001375524.1(TRRAP):c.3459G>A (p.Ala1153=)

Gene: TRRAP (transformation/transcription domain associated protein; plus strand). Cytogenetic location: 7q22.1.
Variant type: single nucleotide variant.
Coding change: c.3459G>A on transcript NM_001375524.1 (MANE Select); coding-DNA position 3459, G replaced by A.
Protein change: p.Ala1153=; no amino-acid change (alanine 1153 retained).
Molecular consequence: synonymous variant.
Genome position (GRCh38, 1-based): chr7:98,930,698, G>A. VCF-style: chr7-98930698-G-A. GRCh37 (hg19) VCF-style: chr7-98528321-G-A.
Other names: c.3459G>A, p.Ala1153= (NM_001244580.2, NM_003496.4); c.3459G>A (NM_003496.3).
Identifiers: ClinVar variation 2898435 (VCV002898435.4), dbSNP rs782525111, ClinGen allele CA4359998.

ClinVar aggregate classification (germline): Likely benign. Review status: criteria provided, multiple submitters, no conflicts (2 of 4 stars). 2 submissions from 2 submitters: Likely benign (2). Last evaluated 2025-11-02.

Conditions:
TRRAP-related disorder. Also called: TRRAP-related condition.

Allele frequency attached by ClinVar (database versions not stated): TOPMed 0.00001; ExAC 0.00004; gnomAD exomes 0.00005.
gnomAD v4.1: 64 of 1,614,242 alleles (0.004%); highest among the groups gnomAD compares: South Asian, 0.019%; no homozygotes.

Submissions (2):

Labcorp Genetics (formerly Invitae), Labcorp
Classification: Likely benign. Last evaluated: 2025-11-02. Review status: criteria provided, single submitter. Criteria: Invitae Variant Classification Sherloc (09022015). Collection method: clinical testing. Allele origin: germline.

PreventionGenetics, part of Exact Sciences
Classification: Likely benign for TRRAP-related condition. Last evaluated: 2024-12-21. Review status: criteria provided, single submitter. Criteria: ACMG Guidelines, 2015. Collection method: clinical testing. Allele origin: germline.
Comment: This variant is classified as likely benign based on ACMG/AMP sequence variant interpretation guidelines (Richards et al. 2015 PMID: 25741868, with internal and published modifications).